The following is an entry in ClinVar:

ClinVar aggregate classification (germline): Uncertain significance (1 of 4 stars; one submission).

Conditions:
Pendred syndrome (PDS). Also called: GOITER-DEAFNESS SYNDROME; HYPOTHYROIDISM, CONGENITAL, DUE TO DYSHORMONOGENESIS, 2B; THYROID DYSHORMONOGENESIS 2B; THYROID HORMONOGENESIS, GENETIC DEFECT IN, 2B; DEAFNESS WITH GOITER; Pendred's syndrome. Identifiers: Orphanet 705, MedGen C0271829, MONDO:0010134, OMIM 274600.

Allele frequency attached by ClinVar (database versions not stated): gnomAD exomes below 0.00001; TOPMed below 0.00001; ExAC 0.00001.
gnomAD v4.1: 1 of 1,614,042 alleles (0.000062%); highest among the groups gnomAD compares: Non-Finnish European, 0.000085%; no homozygotes.

Submission:

Baylor Genetics
Classification: Uncertain significance for Pendred syndrome. Last evaluated: 2020-05-04. Review status: criteria provided, single submitter. Criteria: ACMG Guidelines, 2015. Collection method: clinical testing. Allele origin: unknown. Affected: yes.
Comment: This variant was determined to be of uncertain significance according to ACMG Guidelines, 2015 [PMID:25741868].

NM_000441.2(SLC26A4):c.515A>G (p.Asn172Ser)

Gene: SLC26A4 (solute carrier family 26 member 4; plus strand). Cytogenetic location: 7q22.3.
Variant type: single nucleotide variant.
Coding change: c.515A>G on transcript NM_000441.2 (MANE Select); coding-DNA position 515, A replaced by G.
Protein change: p.Asn172Ser; replaces asparagine 172 with serine.
Molecular consequence: missense variant.
Genome position (GRCh38, 1-based): chr7:107,674,263, A>G. VCF-style: chr7-107674263-A-G. GRCh37 (hg19) VCF-style: chr7-107314708-A-G.
Other names: short protein forms N172S.
Identifiers: ClinVar variation 1028756 (VCV001028756.1), dbSNP rs779996743, ClinGen allele CA4432499.